The following is an entry in ClinVar:

NM_005159.5(ACTC1):c.952G>A (p.Glu318Lys)

Genes: GJD2-DT (GJD2 divergent transcript; plus strand), ACTC1 (actin alpha cardiac muscle 1; minus strand). Cytogenetic location: 15q14.
Variant type: single nucleotide variant.
Coding change: c.952G>A on transcript NM_005159.5 (MANE Select); coding-DNA position 952, G replaced by A.
Protein change: p.Glu318Lys; replaces glutamic acid 318 with lysine.
Molecular consequence: missense variant.
Genome position (GRCh38, 1-based): chr15:34,791,152, C>T on the plus strand (G>A on the coding strand, the complement: ACTC1 is on the minus strand). VCF-style: chr15-34791152-C-T. GRCh37 (hg19) VCF-style: chr15-35083353-C-T.
Other names: p.E318K:GAA>AAA; c.952G>A (LRG_388t1); short protein forms E318K.
Identifiers: ClinVar variation 180770 (VCV000180770.5), dbSNP rs730880403, ClinGen allele CA020006.

ClinVar aggregate classification (germline): Uncertain significance. Review status: criteria provided, multiple submitters, no conflicts (2 of 4 stars). 2 submissions from 2 submitters: Uncertain significance (2). Last evaluated 2025-04-23.

Conditions:
Atrial septal defect 5 (ASD5). Identifiers: Orphanet 1478, MedGen C2748552, MONDO:0013011, OMIM 612794.
Dilated cardiomyopathy 1R (CMD1R). Identifiers: Orphanet 154, Orphanet 54260, MedGen C3150681, MONDO:0013261, OMIM 613424.
Hypertrophic cardiomyopathy 11. Also called: ACTC1-Related Familial Hypertrophic Cardiomyopathy. Identifiers: MedGen C2677506, MONDO:0012799, OMIM 612098.

Submissions (2):

Labcorp Genetics (formerly Invitae), Labcorp
Classification: Uncertain significance for Dilated cardiomyopathy 1R; Hypertrophic cardiomyopathy 11; Atrial septal defect 5. Last evaluated: 2025-04-23. Review status: criteria provided, single submitter. Criteria: Invitae Variant Classification Sherloc (09022015). Collection method: clinical testing. Allele origin: germline.
Comment: This sequence change replaces glutamic acid, which is acidic and polar, with lysine, which is basic and polar, at codon 318 of the ACTC1 protein (p.Glu318Lys). This variant is not present in population databases (gnomAD no frequency). This variant has not been reported in the literature in individuals affected with ACTC1-related conditions. ClinVar contains an entry for this variant (Variation ID: 180770). Invitae Evidence Modeling of protein sequence and biophysical properties (such as structural, functional, and spatial information, amino acid conservation, physicochemical variation, residue mobility, and thermodynamic stability) indicates that this missense variant is expected to disrupt ACTC1 protein function with a positive predictive value of 80%. In summary, the available evidence is currently insufficient to determine the role of this variant in disease. Therefore, it has been classified as a Variant of Uncertain Significance.

GeneDx
Classification: Uncertain significance. Last evaluated: 2024-02-06. Review status: criteria provided, single submitter. Criteria: GeneDx Variant Classification Process June 2021. Collection method: clinical testing. Allele origin: germline. Affected: yes.
Comment: Has not been previously published as pathogenic or benign to our knowledge; Not observed at significant frequency in large population cohorts (gnomAD); In silico analysis supports that this missense variant has a deleterious effect on protein structure/function